The following is an entry in ClinVar:

ClinVar aggregate classification (germline): Uncertain significance (1 of 4 stars; one submission).

Conditions:
Glycogen storage disease, type II (IOPD). Also called: GLYCOGENOSIS, GENERALIZED, CARDIAC FORM; GSD II; Glucosidase acid-1,4-alpha deficiency; Pompe Disease; POMPE DISEASE, INFANTILE-ONSET; GLYCOGEN STORAGE DISEASE II, INFANTILE-ONSET. Identifiers: Orphanet 365, MedGen C0017921, MONDO:0009290, OMIM 232300.

Allele frequency attached by ClinVar (database versions not stated): gnomAD exomes below 0.00001.

Submission:

Labcorp Genetics (formerly Invitae), Labcorp
Classification: Uncertain significance for Glycogen storage disease, type II. Last evaluated: 2024-01-13. Review status: criteria provided, single submitter. Criteria: Invitae Variant Classification Sherloc (09022015). Collection method: clinical testing. Allele origin: germline.
Comment: This sequence change replaces glutamine, which is neutral and polar, with arginine, which is basic and polar, at codon 776 of the GAA protein (p.Gln776Arg). This variant is not present in population databases (gnomAD no frequency). This variant has not been reported in the literature in individuals affected with GAA-related conditions. Advanced modeling of protein sequence and biophysical properties (such as structural, functional, and spatial information, amino acid conservation, physicochemical variation, residue mobility, and thermodynamic stability) performed at Invitae indicates that this missense variant is not expected to disrupt GAA protein function with a negative predictive value of 95%. In summary, the available evidence is currently insufficient to determine the role of this variant in disease. Therefore, it has been classified as a Variant of Uncertain Significance.

NM_000152.5(GAA):c.2327A>G (p.Gln776Arg)

Gene: GAA (alpha glucosidase; plus strand). Cytogenetic location: 17q25.3.
Variant type: single nucleotide variant.
Coding change: c.2327A>G on transcript NM_000152.5 (MANE Select); coding-DNA position 2327, A replaced by G.
Protein change: p.Gln776Arg; replaces glutamine 776 with arginine.
Molecular consequence: missense variant.
Genome position (GRCh38, 1-based): chr17:80,117,105, A>G. VCF-style: chr17-80117105-A-G. GRCh37 (hg19) VCF-style: chr17-78090904-A-G.
Other names: c.2327A>G, p.Gln776Arg (NM_001079803.3, NM_001079804.3, NM_001406741.1 and 1 more transcripts); short protein forms Q776R.
Identifiers: ClinVar variation 2709225 (VCV002709225.3), dbSNP rs2510396891, ClinGen allele CA401324948.